The following is an entry in ClinVar:

ClinVar aggregate classification (germline): Likely benign. Review status: criteria provided, multiple submitters, no conflicts (2 of 4 stars). 3 submissions from 3 submitters: Likely benign (2). 1 of the submissions does not count toward it. Last evaluated 2023-09-05.

Conditions:
ARID1B-Related Disorder. Identifiers: MedGen CN381337.

Allele frequency attached by ClinVar (database versions not stated): TOPMed 0.00001.

Submissions (3):

Blueprint Genetics
Classification: Likely benign. Last evaluated: 2023-09-05. Review status: criteria provided, single submitter. Criteria: ACMG Guidelines, 2015. Collection method: clinical testing. Allele origin: germline.

Labcorp Genetics (formerly Invitae), Labcorp
Classification: Likely benign. Last evaluated: 2023-08-22. Review status: criteria provided, single submitter. Criteria: Invitae Variant Classification Sherloc (09022015). Collection method: clinical testing. Allele origin: germline.

PreventionGenetics, part of Exact Sciences
Classification: Likely benign for ARID1B-related condition. Last evaluated: 2019-05-20. Review status: no assertion criteria provided. Collection method: clinical testing. Allele origin: germline. Not counted in ClinVar's aggregate classification.
Comment: This variant is classified as likely benign based on ACMG/AMP sequence variant interpretation guidelines (Richards et al. 2015 PMID: 25741868, with internal and published modifications).

NM_001374828.1(ARID1B):c.3186G>A (p.Thr1062=)

Gene: ARID1B (AT-rich interaction domain 1B; plus strand). Cytogenetic location: 6q25.3.
Variant type: single nucleotide variant.
Coding change: c.3186G>A on transcript NM_001374828.1 (MANE Select); coding-DNA position 3186, G replaced by A.
Protein change: p.Thr1062=; no amino-acid change (threonine 1062 retained).
Molecular consequence: synonymous variant.
Genome position (GRCh38, 1-based): chr6:157,167,136, G>A. VCF-style: chr6-157167136-G-A. GRCh37 (hg19) VCF-style: chr6-157488270-G-A.
Other names: c.2937G>A, p.Thr979= (NM_001346813.1); c.687G>A, p.Thr229= (NM_001363725.2); c.3225G>A, p.Thr1075= (NM_001371656.1, NM_001374820.1); c.3186G>A, p.Thr1062= (NM_017519.3); c.2976G>A, p.Thr992= (NM_020732.3); c.2763G>A, p.Thr921= (NM_175863.2).
Identifiers: ClinVar variation 2083856 (VCV002083856.7), dbSNP rs755525381, ClinGen allele CA150848365.
Genomic context (GRCh38, chr6:157,167,136, plus strand): 5'-TATGGCTTCCAGCTCTCCCTACAGCCAGCCCATGAACAACAGCTCTAGCCTGATGAACAC[G>A]CAGGCGCCGCCCTACAGCATGGCGCCCGCCATGGTGAACAGCTCGGCAGGTAACCTTGGC-3'
Protein context (NP_001361757.1, residues 1052-1072): PMNNSSSLMN[Thr1062=]QAPPYSMAPA